The following is an entry in ClinVar:

NM_000536.4(RAG2):c.395A>G (p.Asp132Gly)

Gene: RAG2 (recombination activating 2; minus strand). Cytogenetic location: 11p12.
Variant type: single nucleotide variant.
Coding change: c.395A>G on transcript NM_000536.4 (MANE Select); coding-DNA position 395, A replaced by G.
Protein change: p.Asp132Gly; replaces aspartic acid 132 with glycine.
Molecular consequence: missense variant.
Genome position (GRCh38, 1-based): chr11:36,593,774, T>C on the plus strand (A>G on the coding strand, the complement: RAG2 is on the minus strand). VCF-style: chr11-36593774-T-C. GRCh37 (hg19) VCF-style: chr11-36615324-T-C.
Other names: c.395A>G, p.Asp132Gly (NM_001243785.2, NM_001243786.2); short protein forms D132G.
Identifiers: ClinVar variation 1376867 (VCV001376867.5), dbSNP rs375033313, ClinGen allele CA220580392.

ClinVar aggregate classification (germline): Uncertain significance (1 of 4 stars; one submission).

Conditions:
Combined immunodeficiency with skin granulomas. Identifiers: Orphanet 157949, MedGen C2673536, MONDO:0009306, OMIM 233650.
Severe combined immunodeficiency, autosomal recessive, T cell-negative, B cell-negative, NK cell-positive. Also called: SCID, T CELL-NEGATIVE, B CELL-NEGATIVE, NK CELL-POSITIVE; SCID, AR, T-cell negative, B-cell negative, NK cell-positive; Severe combined immunodeficiency due to complete RAG1/2 deficiency. Identifiers: Orphanet 331206, MedGen C1832322, MONDO:0011086, OMIM 601457.

Allele frequency attached by ClinVar (database versions not stated): TOPMed below 0.00001; ESP Exome Variant Server 0.00008.

Submission:

Labcorp Genetics (formerly Invitae), Labcorp
Classification: Uncertain significance for Combined immunodeficiency with skin granulomas; Severe combined immunodeficiency, autosomal recessive, T cell-negative, B cell-negative, NK cell-positive. Last evaluated: 2022-06-27. Review status: criteria provided, single submitter. Criteria: Invitae Variant Classification Sherloc (09022015). Collection method: clinical testing. Allele origin: germline.
Comment: This sequence change replaces aspartic acid, which is acidic and polar, with glycine, which is neutral and non-polar, at codon 132 of the RAG2 protein (p.Asp132Gly). This variant is not present in population databases (gnomAD no frequency). This variant has not been reported in the literature in individuals affected with RAG2-related conditions. Advanced modeling of protein sequence and biophysical properties (such as structural, functional, and spatial information, amino acid conservation, physicochemical variation, residue mobility, and thermodynamic stability) performed at Invitae indicates that this missense variant is expected to disrupt RAG2 protein function. Algorithms developed to predict the effect of sequence changes on RNA splicing suggest that this variant may create or strengthen a splice site. In summary, the available evidence is currently insufficient to determine the role of this variant in disease. Therefore, it has been classified as a Variant of Uncertain Significance.